The following is an entry in ClinVar:

NM_000393.5(COL5A2):c.238C>G (p.Leu80Val)

Gene: COL5A2 (collagen type V alpha 2 chain; minus strand). Cytogenetic location: 2q32.2.
Variant type: single nucleotide variant.
Coding change: c.238C>G on transcript NM_000393.5 (MANE Select); coding-DNA position 238, C replaced by G.
Protein change: p.Leu80Val; replaces leucine 80 with valine.
Molecular consequence: missense variant.
Genome position (GRCh38, 1-based): chr2:189,110,309, G>C on the plus strand (C>G on the coding strand, the complement: COL5A2 is on the minus strand). VCF-style: chr2-189110309-G-C. GRCh37 (hg19) VCF-style: chr2-189975035-G-C.
Other names: short protein forms L80V.
Identifiers: ClinVar variation 408291 (VCV000408291.21), dbSNP rs746454126, ClinGen allele CA2023172.

ClinVar aggregate classification (germline): Conflicting classifications of pathogenicity. Review status: criteria provided, conflicting classifications (1 of 4 stars). 4 submissions from 4 submitters: Uncertain significance (2); Benign (2). Last evaluated 2025-12-02.

Conditions:
Ehlers-Danlos syndrome, classic type, 1 (EDSCL1). Also called: EHLERS-DANLOS SYNDROME, GRAVIS TYPE; EHLERS-DANLOS SYNDROME, SEVERE CLASSIC TYPE; Ehlers-Danlos Syndrome, Classic Type, COL5A1-Related; EDS I; Ehlers-Danlos syndrome, type 1. Identifiers: MedGen C0268335, MONDO:0019567, OMIM 130000.
Ehlers-Danlos syndrome, classic type, 2 (EDSCL2). Also called: Ehlers-Danlos syndrome type 2 (formerly); Ehlers-Danlos Syndrome, Classic Type, COL5A2-Related; Ehlers-Danlos syndrome, type 2. Identifiers: Orphanet 287, Orphanet 90318, MedGen C0268336, MONDO:0019568, OMIM 130010.
Familial thoracic aortic aneurysm and aortic dissection (TAAD). Also called: Thoracic aortic aneurysms and dissections. Identifiers: Orphanet 91387, MedGen C4707243, MONDO:0019625.

Allele frequency attached by ClinVar (database versions not stated): gnomAD exomes 0.00003; gnomAD 0.00001; TOPMed 0.00001; ExAC 0.00003.
gnomAD v4.1: 135 of 1,614,124 alleles (0.0084%); highest among the groups gnomAD compares: East Asian, 0.3%; no homozygotes.

Submissions (4):

Labcorp Genetics (formerly Invitae), Labcorp
Classification: Benign for Ehlers-Danlos syndrome, classic type, 1. Last evaluated: 2025-12-02. Review status: criteria provided, single submitter. Criteria: Invitae Variant Classification Sherloc (09022015). Collection method: clinical testing. Allele origin: germline.

Ambry Genetics
Classification: Benign for Familial thoracic aortic aneurysm and aortic dissection. Last evaluated: 2025-08-13. Review status: criteria provided, single submitter. Criteria: Ambry Variant Classification Scheme 2023. Collection method: clinical testing. Allele origin: germline.

Women's Health and Genetics/Laboratory Corporation of America, LabCorp
Classification: Uncertain significance. Last evaluated: 2024-11-10. Review status: criteria provided, single submitter. Criteria: LabCorp Variant Classification Summary - May 2015. Collection method: clinical testing. Allele origin: germline.

ARUP Laboratories, Molecular Genetics and Genomics, ARUP Laboratories
Classification: Uncertain significance for Ehlers-Danlos syndrome, classic type, 2. Last evaluated: 2019-08-08. Review status: criteria provided, single submitter. Criteria: ARUP Molecular Germline Variant Investigation Process. Collection method: clinical testing. Allele origin: germline.
Comment: The COL5A2 c.238C>G; p.Leu80Val variant (rs746454126), to our knowledge, is not reported in the medical literature but is reported in ClinVar (Variation ID: 408291). This variant is found in the East Asian population with an allele frequency of 0.044% (8/18,388 alleles) in the Genome Aggregation Database. The leucine at codon 80 is moderately conserved, and computational analyses (SIFT, PolyPhen-2) predict that this variant is tolerated. Due to limited information, the clinical significance of this variant is uncertain at this time.